The following is an entry in ClinVar:

ClinVar aggregate classification (germline): Likely pathogenic (1 of 4 stars; one submission).

Conditions:
Juvenile nasopharyngeal angiofibroma. Identifiers: Orphanet 289596, MedGen C1367536, MONDO:0017340, HP:0030429.

Submission:

Seattle Children's Hospital Molecular Genetics Laboratory, Seattle Children's Hospital
Classification: Likely pathogenic for Juvenile nasopharyngeal angiofibroma. Review status: criteria provided, single submitter. Criteria: ACMG Guidelines, 2015. Collection method: clinical testing. Allele origin: somatic. Affected: yes.
Comment: The p.Tyr30_Ser37del variant results in the in-frame deletion of 8 amino acids in exon 3 of CTNNB1. To the best of our knowledge, this is a novel variant. However, other in-frame deletions and missense variants affecting these amino acids have been reported in multiple individuals with juvenile nasopharyngeal angiofibroma (JNA, PMID: 11238055).

NM_001904.4(CTNNB1):c.88_111del (p.Tyr30_Ser37del)

Genes: CTNNB1 (catenin beta 1; plus strand), LOC126806658 (BRD4-independent group 4 enhancer GRCh37_chr3:41265899-41267098; plus strand). Cytogenetic location: 3p22.1.
Variant type: Deletion.
Coding change: c.88_111del on transcript NM_001904.4 (MANE Select); coding-DNA positions 88 to 111, 24 bases deleted (TACCTGGACTCTGGAATCCATTCT).
Protein change: p.Tyr30_Ser37del.
Molecular consequence: inframe deletion.
Genome position (GRCh38, 1-based): chr3:41,224,600-41,224,623, TACCTGGACTCTGGAATCCATTCT deleted; deleting any 24 consecutive bases within chr3:41,224,597-41,224,623 gives the same sequence; the c. name uses the placement nearest the transcript's 3' end. VCF-style (leftmost placement, unchanged base first): chr3-41224596-GTCTTACCTGGACTCTGGAATCCAT-G. GRCh37 (hg19) VCF-style: chr3-41266087-GTCTTACCTGGACTCTGGAATCCAT-G.
Other names: c.88_111del, p.Tyr30_Ser37del (NM_001098209.2, NM_001098210.2); c.67_90del, p.Tyr23_Ser30del (NM_001330729.2); c.88_111del (NM_001904.3).
Identifiers: ClinVar variation 3340441 (VCV003340441.1).
Genomic context (GRCh38, chr3:41,224,596, plus strand): 5'-GGAGTTGGACATGGCCATGGAACCAGACAGAAAAGCGGCTGTTAGTCACTGGCAGCAACA[GTCTTACCTGGACTCTGGAATCCAT>G]TCTGGTGCCACTACCACAGCTCCTTCTCTGAGTGGTAAAGGCAATCCTGAGGAAGAGGAT-3'